The following is an entry in ClinVar:

NM_000038.6(APC):c.3479C>T (p.Thr1160Ile)

Gene: APC (APC regulator of Wnt signaling pathway; plus strand). Cytogenetic location: 5q22.2.
Variant type: single nucleotide variant.
Coding change: c.3479C>T on transcript NM_000038.6 (MANE Select); coding-DNA position 3479, C replaced by T.
Protein change: p.Thr1160Ile; replaces threonine 1160 with isoleucine.
Molecular consequence: missense variant.
Genome position (GRCh38, 1-based): chr5:112,839,073, C>T. VCF-style: chr5-112839073-C-T. GRCh37 (hg19) VCF-style: chr5-112174770-C-T.
Other names: c.3395C>T, p.Thr1132Ile (NM_001354899.2); c.3356C>T, p.Thr1119Ile (NM_001354900.2); c.3302C>T, p.Thr1101Ile (NM_001354901.2); c.3206C>T, p.Thr1069Ile (NM_001354902.2); c.3176C>T, p.Thr1059Ile (NM_001354903.2); c.3101C>T, p.Thr1034Ile (NM_001354904.2); c.2999C>T, p.Thr1000Ile (NM_001354905.2); c.3479C>T, p.Thr1160Ile (NM_001127510.3, NM_001354895.2); and 5 more; short protein forms T1142I, T1160I, T1069I, T1119I, T1170I, T1178I, T1000I, T1034I.
Identifiers: ClinVar variation 230352 (VCV000230352.19), dbSNP rs201004111, ClinGen allele CA10578354.
Genomic context (GRCh38, chr5:112,839,073, plus strand): 5'-CTACCAATTATAGTGAACGTTACTCTGAAGAAGAACAGCATGAAGAAGAAGAGAGACCAA[C>T]AAATTATAGCATAAAATATAATGAAGAGAAACGTCATGTGGATCAGCCTATTGATTATAG-3'
Protein context (NP_000029.2, residues 1150-1170): EEQHEEEERP[Thr1160Ile]NYSIKYNEEK

ClinVar aggregate classification (germline): Uncertain significance. Review status: criteria provided, multiple submitters, no conflicts (2 of 4 stars). 4 submissions from 4 submitters: Uncertain significance (4). Last evaluated 2025-06-17.

Conditions:
Familial adenomatous polyposis 1 (FAP1). Also called: FAMILIAL ADENOMATOUS POLYPOSIS 1, ATTENUATED; POLYPOSIS, ADENOMATOUS INTESTINAL. Identifiers: MedGen C2713442, MONDO:0021056, OMIM 175100. Disease mechanism: loss of function.
Classic or attenuated familial adenomatous polyposis. Identifiers: MedGen CN372698, MONDO:0021057.
Hereditary cancer-predisposing syndrome. Also called: Neoplastic Syndromes, Hereditary; Tumor predisposition; Hereditary Cancer Syndrome; Hereditary neoplastic syndrome. Identifiers: Orphanet 140162, MedGen C0027672, MeSH D009386, MONDO:0015356.

gnomAD v4.1: 1 of 1,614,068 alleles (0.000062%); highest among the groups gnomAD compares: South Asian, 0.0011%; no homozygotes.

Submissions (4):

Color Diagnostics, LLC DBA Color Health
Classification: Uncertain significance for Hereditary cancer-predisposing syndrome. Last evaluated: 2025-06-17. Review status: criteria provided, single submitter. Criteria: ACMG Guidelines, 2015. Collection method: clinical testing. Allele origin: germline.
Comment: This missense variant replaces threonine with isoleucine at codon 1160 of the APC protein. Computational prediction suggests that this variant may not impact protein structure and function. To our knowledge, functional studies have not been reported for this variant. This variant has not been reported in individuals affected with APC-related disorders in the literature. This variant has been identified in 1/250788 chromosomes in the general population by the Genome Aggregation Database (gnomAD). The available evidence is insufficient to determine the role of this variant in disease conclusively. Therefore, this variant is classified as a Variant of Uncertain Significance.

All of Us Research Program, National Institutes of Health
Classification: Uncertain significance for Classic or attenuated familial adenomatous polyposis. Last evaluated: 2024-03-28. Review status: criteria provided, single submitter. Criteria: ACMG Guidelines, 2015. Collection method: clinical testing. Allele origin: germline. Inheritance: Autosomal dominant inheritance. Observed: 2 variant alleles, 2 heterozygotes.
Comment: This missense variant replaces threonine with isoleucine at codon 1160 of the APC protein. Computational prediction suggests that this variant may not impact protein structure and function (internally defined REVEL score threshold <= 0.5, PMID: 27666373). To our knowledge, functional studies have not been reported for this variant. This variant has not been reported in individuals affected with hereditary cancer in the literature. This variant has been identified in 1/250788 chromosomes in the general population by the Genome Aggregation Database (gnomAD). The available evidence is insufficient to determine the role of this variant in disease conclusively. Therefore, this variant is classified as a Variant of Uncertain Significance.

This study involves interpretation of variants in research participants for the purpose of population health screening. Participant phenotype was not available at the time of variant classification. Additional details can be found in publication PMID: 35346344, PMCID: PMC8962531

Labcorp Genetics (formerly Invitae), Labcorp
Classification: Uncertain significance for Familial adenomatous polyposis 1. Last evaluated: 2023-07-31. Review status: criteria provided, single submitter. Criteria: Invitae Variant Classification Sherloc (09022015). Collection method: clinical testing. Allele origin: germline.
Comment: ClinVar contains an entry for this variant (Variation ID: 230352). In summary, the available evidence is currently insufficient to determine the role of this variant in disease. Therefore, it has been classified as a Variant of Uncertain Significance. Advanced modeling of protein sequence and biophysical properties (such as structural, functional, and spatial information, amino acid conservation, physicochemical variation, residue mobility, and thermodynamic stability) performed at Invitae indicates that this missense variant is not expected to disrupt APC protein function. This variant has not been reported in the literature in individuals affected with APC-related conditions. This variant is present in population databases (no rsID available, gnomAD 0.003%). This sequence change replaces threonine, which is neutral and polar, with isoleucine, which is neutral and non-polar, at codon 1160 of the APC protein (p.Thr1160Ile).

Ambry Genetics
Classification: Uncertain significance for Hereditary cancer-predisposing syndrome. Last evaluated: 2021-06-10. Review status: criteria provided, single submitter. Criteria: Ambry Variant Classification Scheme 2023. Collection method: clinical testing. Allele origin: germline.
Comment: The p.T1160I variant (also known as c.3479C>T), located in coding exon 15 of the APC gene, results from a C to T substitution at nucleotide position 3479. The threonine at codon 1160 is replaced by isoleucine, an amino acid with similar properties. This alteration has been identified in a cohort of 572 atherosclerosis patients with no clinical history of cancer (Pinard A et al. Hum Mutat, 2016 12;37:1299-1307). This amino acid position is well conserved in available vertebrate species. In addition, in silico predictors for this gene do not accurately predict pathogenicity. Since supporting evidence is limited at this time, the clinical significance of this alteration remains unclear.

Literature cited by the submitters: PubMed 27600092 (cited by Ambry Genetics).